The following is an entry in ClinVar:

NM_000368.5(TSC1):c.931C>A (p.Pro311Thr)

Gene: TSC1 (TSC complex subunit 1; minus strand). Cytogenetic location: 9q34.13.
Variant type: single nucleotide variant.
Coding change: c.931C>A on transcript NM_000368.5 (MANE Select); coding-DNA position 931, C replaced by A.
Protein change: p.Pro311Thr; replaces proline 311 with threonine.
Molecular consequence: missense variant.
Genome position (GRCh38, 1-based): chr9:132,911,551, G>T on the plus strand (C>A on the coding strand, the complement: TSC1 is on the minus strand). VCF-style: chr9-132911551-G-T. GRCh37 (hg19) VCF-style: chr9-135786938-G-T.
Other names: c.931C>A, p.Pro311Thr (NM_001162426.2); c.778C>A, p.Pro260Thr (NM_001162427.2); c.568C>A, p.Pro190Thr (NM_001362177.2); short protein forms P311T, P190T, P260T.
Identifiers: ClinVar variation 823167 (VCV000823167.18), dbSNP rs1332186256, ClinGen allele CA375368730.

ClinVar aggregate classification (germline): Conflicting classifications of pathogenicity. Review status: criteria provided, conflicting classifications (1 of 4 stars). 3 submissions from 3 submitters: Uncertain significance (2); Likely benign (1). Last evaluated 2026-08-11.

Conditions:
Hereditary cancer-predisposing syndrome. Also called: Tumor predisposition; Hereditary neoplastic syndrome; Neoplastic Syndromes, Hereditary; Hereditary Cancer Syndrome. Identifiers: Orphanet 140162, MedGen C0027672, MeSH D009386, MONDO:0015356.
Tuberous sclerosis 1 (TSC1). Identifiers: Orphanet 805, MedGen C1854465, MONDO:0008612, OMIM 191100.

gnomAD v4.1: 5 of 1,603,434 alleles (0.00031%); highest among the groups gnomAD compares: East Asian, 0.011%; no homozygotes.

Submissions (3):

Ambry Genetics
Classification: Uncertain significance for Hereditary cancer-predisposing syndrome. Last evaluated: 2026-08-11. Review status: criteria provided, single submitter. Criteria: Ambry Variant Classification Scheme 2023. Collection method: clinical testing. Allele origin: germline.
Comment: The p.P311T variant (also known as c.931C>A), located in coding exon 8 of the TSC1 gene, results from a C to A substitution at nucleotide position 931. The proline at codon 311 is replaced by threonine, an amino acid with highly similar properties. This amino acid position is highly conserved in available vertebrate species. In addition, this alteration is predicted to be deleterious by in silico analysis. Based on the available evidence, the clinical significance of this variant remains unclear.

Labcorp Genetics (formerly Invitae), Labcorp
Classification: Likely benign for Tuberous sclerosis 1. Last evaluated: 2025-10-01. Review status: criteria provided, single submitter. Criteria: Invitae Variant Classification Sherloc (09022015). Collection method: clinical testing. Allele origin: germline.

Genome-Nilou Lab
Classification: Uncertain significance for Tuberous sclerosis 1. Last evaluated: 2021-11-07. Review status: criteria provided, single submitter. Criteria: ACMG Guidelines, 2015. Collection method: clinical testing. Allele origin: germline. Affected: no.